The following is an entry in ClinVar:

NM_206933.4(USH2A):c.10613G>A (p.Arg3538Gln)

Gene: USH2A (usherin; minus strand). Cytogenetic location: 1q41.
Variant type: single nucleotide variant.
Coding change: c.10613G>A on transcript NM_206933.4 (MANE Select); coding-DNA position 10613, G replaced by A.
Protein change: p.Arg3538Gln; replaces arginine 3538 with glutamine.
Molecular consequence: missense variant.
Genome position (GRCh38, 1-based): chr1:215,782,169, C>T on the plus strand (G>A on the coding strand, the complement: USH2A is on the minus strand). VCF-style: chr1-215782169-C-T. GRCh37 (hg19) VCF-style: chr1-215955511-C-T.
Other names: short protein forms R3538Q.
Identifiers: ClinVar variation 287390 (VCV000287390.54), dbSNP rs774844491, ClinGen allele CA1393969.

ClinVar aggregate classification (germline): Uncertain significance. Review status: criteria provided, multiple submitters, no conflicts (2 of 4 stars). 8 submissions from 7 submitters: Uncertain significance (7). 1 of the submissions does not count toward it. Last evaluated 2024-12-15.

Conditions:
USH2A-related disorder. Also called: USH2A-related condition; USH2A-related disorders. Identifiers: MedGen CN239332.
Cone-rod dystrophy. Also called: Cone/cone-rod dystrophy; Cone-rod degeneration. Identifiers: Orphanet 1872, MedGen C4085590, MONDO:0015993, HP:0000548.
Usher syndrome type 2A. Also called: RETINAL DISEASE IN USHER SYNDROME TYPE IIA, MODIFIER OF; USHER SYNDROME, TYPE IIA. Identifiers: Orphanet 231178, Orphanet 886, MedGen C1848634, MONDO:0010169, OMIM 276901.
Retinitis pigmentosa 39 (RP39). Identifiers: Orphanet 791, MedGen C3151138, MONDO:0013436, OMIM 613809.

Allele frequency attached by ClinVar (database versions not stated): ExAC 0.00002; gnomAD exomes 0.00002; TOPMed 0.00002.
gnomAD v4.1: 32 of 1,613,676 alleles (0.002%); highest among the groups gnomAD compares: Middle Eastern, 0.049%; no homozygotes.

Submissions (8):

Labcorp Genetics (formerly Invitae), Labcorp
Classification: Uncertain significance. Last evaluated: 2024-12-15. Review status: criteria provided, single submitter. Criteria: Invitae Variant Classification Sherloc (09022015). Collection method: clinical testing. Allele origin: germline.
Comment: This sequence change replaces arginine, which is basic and polar, with glutamine, which is neutral and polar, at codon 3538 of the USH2A protein (p.Arg3538Gln). This variant is present in population databases (rs774844491, gnomAD 0.007%). This missense change has been observed in individual(s) with clinical features of Usher syndrome (internal data). ClinVar contains an entry for this variant (Variation ID: 287390). Invitae Evidence Modeling of protein sequence and biophysical properties (such as structural, functional, and spatial information, amino acid conservation, physicochemical variation, residue mobility, and thermodynamic stability) has been performed for this missense variant. However, the output from this modeling did not meet the statistical confidence thresholds required to predict the impact of this variant on USH2A protein function. In summary, the available evidence is currently insufficient to determine the role of this variant in disease. Therefore, it has been classified as a Variant of Uncertain Significance.

PreventionGenetics, part of Exact Sciences
Classification: Uncertain significance for USH2A-related condition. Last evaluated: 2024-10-19. Review status: criteria provided, single submitter. Criteria: ACMG Guidelines, 2015. Collection method: clinical testing. Allele origin: germline.
Comment: The USH2A c.10613G>A variant is predicted to result in the amino acid substitution p.Arg3538Gln. To our knowledge, this variant has not been reported in the literature. This variant is reported in 0.0062% of alleles in individuals of African descent in gnomAD. At this time, the clinical significance of this variant is uncertain due to the absence of conclusive functional and genetic evidence.

Genome-Nilou Lab
Classification: Uncertain significance for Retinitis pigmentosa 39. Last evaluated: 2023-11-04. Review status: criteria provided, single submitter. Criteria: ACMG Guidelines, 2015. Collection method: clinical testing. Allele origin: germline. Affected: no.

Genome-Nilou Lab
Classification: Uncertain significance for Usher syndrome type 2A. Last evaluated: 2023-11-04. Review status: criteria provided, single submitter. Criteria: ACMG Guidelines, 2015. Collection method: clinical testing. Allele origin: germline. Affected: no.

Blueprint Genetics
Classification: Uncertain significance. Last evaluated: 2023-02-07. Review status: criteria provided, single submitter. Criteria: ACMG Guidelines, 2015. Collection method: clinical testing. Allele origin: germline.

CeGaT Center for Human Genetics Tuebingen
Classification: Uncertain significance. Last evaluated: 2019-09-01. Review status: criteria provided, single submitter. Criteria: CeGaT Center For Human Genetics Tuebingen Variant Classification Criteria Version 2. Collection method: clinical testing. Allele origin: germline. Affected: yes. Observed: 2 variant alleles.

Eurofins Ntd Llc (ga)
Classification: Uncertain significance. Last evaluated: 2016-05-04. Review status: criteria provided, single submitter. Criteria: EGL Classification Definitions 2015. Collection method: clinical testing. Allele origin: germline. Observed: 1 variant allele, 1 heterozygote.

Joint Genome Diagnostic Labs from Nijmegen and Maastricht, Radboudumc and MUMC+
Classification: Uncertain significance for Cone-rod dystrophy. Last evaluated: 2016-09-01. Review status: no assertion criteria provided. Collection method: clinical testing. Allele origin: inherited. Affected: yes. Observed: 1 variant allele. Not counted in ClinVar's aggregate classification.